The following is an entry in ClinVar:

NM_000158.4(GBE1):c.1444C>G (p.Gln482Glu)

Gene: GBE1 (1,4-alpha-glucan branching enzyme 1; minus strand). Cytogenetic location: 3p12.2.
Variant type: single nucleotide variant.
Coding change: c.1444C>G on transcript NM_000158.4 (MANE Select); coding-DNA position 1444, C replaced by G.
Protein change: p.Gln482Glu; replaces glutamine 482 with glutamic acid.
Molecular consequence: missense variant.
Genome position (GRCh38, 1-based): chr3:81,581,167, G>C on the plus strand (C>G on the coding strand, the complement: GBE1 is on the minus strand). VCF-style: chr3-81581167-G-C. GRCh37 (hg19) VCF-style: chr3-81630318-G-C.
Other names: NM_000158.4(GBE1):c.1444C>G; p.Gln482Glu; short protein forms Q482E.
Identifiers: ClinVar variation 598565 (VCV000598565.8), dbSNP rs758786811, ClinGen allele CA2499665.

ClinVar aggregate classification (germline): Conflicting classifications of pathogenicity. Review status: criteria provided, conflicting classifications (1 of 4 stars). 3 submissions from 3 submitters: Likely pathogenic (1); Uncertain significance (2). Last evaluated 2022-01-27.

Conditions:
Glycogen storage disease, type IV (GSD4). Also called: Glycogen storage disease due to glycogen branching enzyme deficiency; AMYLOPECTINOSIS; ANDERSEN DISEASE; BRANCHER DEFICIENCY; CIRRHOSIS, FAMILIAL, WITH DEPOSITION OF ABNORMAL GLYCOGEN; GBE1 DEFICIENCY. Identifiers: Orphanet 367, MedGen C0017923, MONDO:0009292, OMIM 232500.

Allele frequency attached by ClinVar (database versions not stated): gnomAD exomes below 0.00001; TOPMed below 0.00001; ExAC 0.00001; gnomAD 0.00001.

Submissions (3):

Broad Center for Mendelian Genomics, Broad Institute of MIT and Harvard
Classification: Uncertain significance for Glycogen storage disease, type IV. Last evaluated: 2022-01-27. Review status: criteria provided, single submitter. Criteria: ACMG Guidelines, 2015. Collection method: curation. Allele origin: germline. Inheritance: Autosomal recessive inheritance.
Comment: The p.Gln482Glu variant in GBE1 has been reported in 1 individual, in the compound heterozygous state, with GBE1-related disorders (PMID: 26633542) and has been identified in 0.0009% (1/110432) of European (non-Finnish) chromosomes by the Genome Aggregation Database (gnomAD; dbSNP ID: rs758786811). Although this variant has been seen in the general population in a heterozygous state, its frequency is low enough to be consistent with a recessive carrier frequency. This variant has also been reported in ClinVar (Variation ID#: 598565) and has been interpreted as likely pathogenic by GeneDx and uncertain significance by Eurofins. Computational prediction tools and conservation analyses suggest that this variant may impact the protein, though this information is not predictive enough to determine pathogenicity. In summary, the clinical significance of the p.Gln482Glu variant is uncertain. ACMG/AMP Criteria applied: PP3, PM2_supporting (Richards 2015).

GeneDx
Classification: Likely pathogenic. Last evaluated: 2019-09-27. Review status: criteria provided, single submitter. Criteria: GeneDx Variant Classification Process June 2021. Collection method: clinical testing. Allele origin: germline. Affected: yes.
Comment: Not observed at a significant frequency in large population cohorts (Lek et al., 2016); In silico analysis, which includes protein predictors and evolutionary conservation, supports a deleterious effect; This variant is associated with the following publications: (PMID: 26633542)

Eurofins Ntd Llc (ga)
Classification: Uncertain significance. Last evaluated: 2018-08-28. Review status: criteria provided, single submitter. Criteria: EGL ClinVar v180209 classification definitions. Collection method: clinical testing. Allele origin: germline. Observed: 1 variant allele, 1 heterozygote.